The following is an entry in ClinVar:

ClinVar aggregate classification (germline): Uncertain significance. Review status: criteria provided, single submitter (1 of 4 stars). 3 submissions from 3 submitters: Uncertain significance (1). 2 of the submissions do not count toward it. Last evaluated 2026-01-01.

Allele frequency attached by ClinVar (database versions not stated): gnomAD exomes below 0.00001 and 0.00002; gnomAD 0.00001; ExAC 0.00002; ESP Exome Variant Server 0.00008.
gnomAD v4.1: 6 of 1,612,938 alleles (0.00037%); highest among the groups gnomAD compares: Admixed American, 0.0017%; no homozygotes.

Submissions (3):

CeGaT Center for Human Genetics Tuebingen
Classification: Uncertain significance. Last evaluated: 2026-01-01. Review status: criteria provided, single submitter. Criteria: CeGaT Center For Human Genetics Tuebingen Variant Classification Criteria Version 2. Collection method: clinical testing. Allele origin: germline. Affected: yes. Observed: 1 variant allele.
Comment: TTN: PM2, BP4

Clinical Genetics, Academic Medical Center
Classification: Uncertain significance. Review status: no assertion criteria provided. Collection method: clinical testing. Allele origin: germline. Affected: yes. Study: VKGL Data-share Consensus. Not counted in ClinVar's aggregate classification.

Genome Diagnostics Laboratory, Amsterdam University Medical Center
Classification: Uncertain significance. Review status: no assertion criteria provided. Collection method: clinical testing. Allele origin: germline. Affected: yes. Study: VKGL Data-share Consensus. Not counted in ClinVar's aggregate classification.

NM_001267550.2(TTN):c.53445A>G (p.Ile17815Met)

Genes: TTN (titin; minus strand), TTN-AS1 (TTN antisense RNA 1; plus strand). Cytogenetic location: 2q31.2.
Variant type: single nucleotide variant.
Coding change: c.53445A>G on transcript NM_001267550.2 (MANE Select); coding-DNA position 53445, A replaced by G.
Protein change: p.Ile17815Met; replaces isoleucine 17815 with methionine.
Molecular consequence: missense variant.
Genome position (GRCh38, 1-based): chr2:178,607,157, T>C on the plus strand (A>G on the coding strand, the complement: TTN is on the minus strand). VCF-style: chr2-178607157-T-C. GRCh37 (hg19) VCF-style: chr2-179471884-T-C.
Other names: c.48522A>G, p.Ile16174Met (NM_001256850.1); c.26250A>G, p.Ile8750Met (NM_003319.4); c.45741A>G, p.Ile15247Met (NM_133378.4); c.26625A>G, p.Ile8875Met (NM_133432.3); c.26826A>G, p.Ile8942Met (NM_133437.4); short protein forms I15247M, I16174M, I17815M, I8750M, I8875M, I8942M.
Identifiers: ClinVar variation 1209908 (VCV001209908.7), dbSNP rs370843257, ClinGen allele CA1993808.